The following is an entry in ClinVar:

ClinVar aggregate classification (germline): Uncertain significance. Review status: criteria provided, multiple submitters, no conflicts (2 of 4 stars). 2 submissions from 2 submitters: Uncertain significance (2). Last evaluated 2025-03-22.

Conditions:
Spastic paraplegia. Identifiers: MedGen C0037772, HP:0001258.
Inborn genetic diseases. Identifiers: MedGen C0950123, MeSH D030342.

Allele frequency attached by ClinVar (database versions not stated): gnomAD 0.00001 and 0.00002; ExAC 0.00003; gnomAD exomes 0.00004 and 0.00001; TOPMed 0.00003.

Submissions (2):

Ambry Genetics
Classification: Uncertain significance for Inborn genetic diseases. Last evaluated: 2025-03-22. Review status: criteria provided, single submitter. Criteria: Ambry Variant Classification Scheme 2023. Collection method: clinical testing. Allele origin: germline.

Labcorp Genetics (formerly Invitae), Labcorp
Classification: Uncertain significance for Spastic paraplegia. Last evaluated: 2022-07-21. Review status: criteria provided, single submitter. Criteria: Invitae Variant Classification Sherloc (09022015). Collection method: clinical testing. Allele origin: germline.
Comment: This sequence change replaces proline, which is neutral and non-polar, with threonine, which is neutral and polar, at codon 1547 of the ZFYVE26 protein (p.Pro1547Thr). This variant is present in population databases (rs760352672, gnomAD 0.02%). This variant has not been reported in the literature in individuals affected with ZFYVE26-related conditions. ClinVar contains an entry for this variant (Variation ID: 1502443). Algorithms developed to predict the effect of missense changes on protein structure and function are either unavailable or do not agree on the potential impact of this missense change (SIFT: "Deleterious"; PolyPhen-2: "Benign"; Align-GVGD: "Class C0"). In summary, the available evidence is currently insufficient to determine the role of this variant in disease. Therefore, it has been classified as a Variant of Uncertain Significance.

NM_015346.4(ZFYVE26):c.4639C>A (p.Pro1547Thr)

Gene: ZFYVE26 (zinc finger FYVE-type containing 26; minus strand). Cytogenetic location: 14q24.1.
Variant type: single nucleotide variant.
Coding change: c.4639C>A on transcript NM_015346.4 (MANE Select); coding-DNA position 4639, C replaced by A.
Protein change: p.Pro1547Thr; replaces proline 1547 with threonine.
Molecular consequence: missense variant.
Genome position (GRCh38, 1-based): chr14:67,780,276, G>T on the plus strand (C>A on the coding strand, the complement: ZFYVE26 is on the minus strand). VCF-style: chr14-67780276-G-T. GRCh37 (hg19) VCF-style: chr14-68246993-G-T.
Other names: c.4639C>A (NM_015346.3); short protein forms P1547T.
Identifiers: ClinVar variation 1502443 (VCV001502443.5), dbSNP rs760352672, ClinGen allele CA7239710.